The following is an entry in ClinVar:

ClinVar aggregate classification (germline): Pathogenic/Likely pathogenic. Review status: criteria provided, multiple submitters, no conflicts (2 of 4 stars). 3 submissions from 3 submitters: Pathogenic (1); Likely pathogenic (1). 1 of the submissions does not count toward it. Last evaluated 2025-02-24.

Conditions:
Developmental and epileptic encephalopathy, 42 (DEE42A). Also called: DEVELOPMENTAL AND EPILEPTIC ENCEPHALOPATHY 42A; EPILEPTIC ENCEPHALOPATHY, EARLY INFANTILE, 42A; Epileptic encephalopathy, early infantile, 42. Identifiers: MedGen C4310716, MONDO:0014917, OMIM 617106.
Episodic ataxia type 2 (EA2). Also called: ATAXIA, EPISODIC, WITH NYSTAGMUS; ATAXIA, FAMILIAL PAROXYSMAL; CEREBELLAR ATAXIA, PAROXYSMAL, ACETAZOLAMIDE-RESPONSIVE; CEREBELLOPATHY, HEREDITARY PAROXYSMAL; EPISODIC ATAXIA, NYSTAGMUS-ASSOCIATED; ACETAZOLAMIDE-RESPONSIVE HEREDITARY PAROXYSMAL CEREBELLAR ATAXIA. Identifiers: Orphanet 97, MedGen C1720416, MONDO:0007163, OMIM 108500.
CACNA1A-related disorder. Also called: CACNA1A-related condition.

Submissions (3):

Labcorp Genetics (formerly Invitae), Labcorp
Classification: Pathogenic for Developmental and epileptic encephalopathy, 42; Episodic ataxia type 2. Last evaluated: 2025-02-24. Review status: criteria provided, single submitter. Criteria: Invitae Variant Classification Sherloc (09022015). Collection method: clinical testing. Allele origin: germline.
Comment: This sequence change creates a premature translational stop signal (p.Gly939Alafs*131) in the CACNA1A gene. It is expected to result in an absent or disrupted protein product. Loss-of-function variants in CACNA1A are known to be pathogenic (PMID: 10371528, 19486177, 25735478, 27250579). This variant is not present in population databases (gnomAD no frequency). This premature translational stop signal has been observed in individual(s) with CACNA1A- related conditions (PMID: 19864665). ClinVar contains an entry for this variant (Variation ID: 2925639). For these reasons, this variant has been classified as Pathogenic.

Blueprint Genetics
Classification: Likely pathogenic for CACNA1A-related disorders. Last evaluated: 2017-10-16. Review status: criteria provided, single submitter. Criteria: ACMG Guidelines, 2015. Collection method: clinical testing. Allele origin: germline. Affected: yes. Observed: 1 variant allele.

Clinical Genetics Laboratory, University Hospital Schleswig-Holstein
Classification: Pathogenic for Developmental and epileptic encephalopathy, 42; Episodic ataxia type 2. Last evaluated: 2024-10-09. Review status: no assertion criteria provided. Collection method: clinical testing. Allele origin: paternal. Affected: yes. Not counted in ClinVar's aggregate classification.

Literature cited by the submitters: PubMed 10371528 (cited by Labcorp Genetics (formerly Invitae), Labcorp); PubMed 19486177 (cited by Labcorp Genetics (formerly Invitae), Labcorp); PubMed 25735478 (cited by Labcorp Genetics (formerly Invitae), Labcorp); PubMed 27250579 (cited by Labcorp Genetics (formerly Invitae), Labcorp); PubMed 19864665 (cited by Labcorp Genetics (formerly Invitae), Labcorp).

NM_001127222.2(CACNA1A):c.2813del (p.Gly938fs)

Gene: CACNA1A (calcium voltage-gated channel subunit alpha1 A; minus strand). Cytogenetic location: 19p13.13.
Variant type: Deletion.
Coding change: c.2813del on transcript NM_001127222.2 (MANE Select); coding-DNA position 2813, one base deleted (G; older notation c.2813delG).
Protein change: p.Gly938fs; shifts the reading frame from glycine 938.
Molecular consequence: frameshift variant.
Genome position (GRCh38, 1-based): chr19:13,298,820, C deleted on the plus strand (G on the coding strand, the reverse complement: CACNA1A is on the minus strand); the first of 6 consecutive C bases (chr19:13,298,820-13,298,825); deleting any one gives the same sequence. VCF-style (leftmost placement, unchanged base first): chr19-13298819-GC-G. GRCh37 (hg19) VCF-style: chr19-13409633-GC-G.
Other names: c.2825del, p.Gly942fs (NM_000068.4, NM_023035.3); c.2816del, p.Gly939fs (NM_001127221.2, NM_001174080.2); short protein forms G942fs, G939fs, G938fs.
Identifiers: ClinVar variation 2925639 (VCV002925639.5), dbSNP rs587776694, ClinGen allele CA505784961.
Genomic context (GRCh38, chr19:13,298,819, plus strand): 5'-ATGACGTCGATGCTCCCCGTCCGCGCCCGTGCGCGGGGACCCGCTGCGGCTCTCCCTGCT[GC>G]CCCCCTGCCGGTGCACGTGCCTCCGGTGGGGGTCCCCGGCCTTGCCTCGCTCGGCCTCGC-3'